The following is an entry in ClinVar:

NM_007294.4(BRCA1):c.570C>T (p.Thr190=)

Gene: BRCA1 (BRCA1 DNA repair associated; minus strand). Cytogenetic location: 17q21.31.
Variant type: single nucleotide variant.
Coding change: c.570C>T on transcript NM_007294.4 (MANE Select); coding-DNA position 570, C replaced by T.
Protein change: p.Thr190=; no amino-acid change (threonine 190 retained).
Molecular consequence: synonymous variant. On other transcripts: intron variant (115).
Genome position (GRCh38, 1-based): chr17:43,097,267, G>A on the plus strand (C>T on the coding strand, the complement: BRCA1 is on the minus strand). VCF-style: chr17-43097267-G-A. GRCh37 (hg19) VCF-style: chr17-41249284-G-A.
Other names: c.357C>T, p.Thr119= (NM_001407571.1, NM_001407853.1, NM_001407894.1 and 12 more transcripts); c.570C>T, p.Thr190= (NM_001407581.1, NM_001407582.1, NM_001407583.1 and 59 more transcripts); c.567C>T, p.Thr189= (NM_001407587.1, NM_001407590.1, NM_001407591.1 and 41 more transcripts); c.561C>T, p.Thr187= (NM_001407646.1, NM_001407647.1, NM_001408408.1); c.492C>T, p.Thr164= (NM_001407653.1, NM_001407654.1, NM_001407655.1 and 9 more transcripts); c.489C>T, p.Thr163= (NM_001407659.1, NM_001407660.1, NM_001407661.1 and 3 more transcripts); c.429C>T, p.Thr143= (NM_001407692.1, NM_001407694.1, NM_001407695.1 and 43 more transcripts); c.426C>T, p.Thr142= (NM_001407740.1, NM_001407741.1, NM_001407742.1 and 26 more transcripts); and 17 more.
Identifiers: ClinVar variation 184512 (VCV000184512.38), dbSNP rs201536070, ClinGen allele CA003742.

ClinVar aggregate classification (germline): Likely benign. Review status: reviewed by expert panel (3 of 4 stars). 15 submissions from 15 submitters: Likely benign (1). 14 of the submissions do not count toward it. Last evaluated 2017-06-29.

Conditions:
BRCA1-related disorder. Also called: BRCA1-related condition.
BRCA1-related cancer predisposition. Identifiers: MedGen CN377757, MONDO:0700268.
Breast and/or ovarian cancer. Identifiers: MedGen CN221562.
Hereditary cancer-predisposing syndrome. Also called: Hereditary neoplastic syndrome; Tumor predisposition; Neoplastic Syndromes, Hereditary; Hereditary Cancer Syndrome. Identifiers: Orphanet 140162, MedGen C0027672, MeSH D009386, MONDO:0015356.
Hereditary breast ovarian cancer syndrome. Also called: Breast and ovarian cancer; Hereditary breast and/or ovarian cancer syndrome; BRCA1- and BRCA2-Associated Hereditary Breast and Ovarian Cancer; Hereditary breast and ovarian cancer; Hereditary breast and ovarian cancer syndrome; Hereditary breast and ovarian cancer syndrome (HBOC). Identifiers: Orphanet 145, MedGen C0677776, MeSH D061325, MONDO:0003582. Disease mechanism: loss of function.
Breast-ovarian cancer, familial, susceptibility to, 1 (BROVCA1). Also called: BRCA1 Hereditary Breast and Ovarian Cancer; OVARIAN CANCER, SUSCEPTIBILITY TO. Identifiers: Orphanet 145, MedGen C2676676, MONDO:0011450, OMIM 604370. Disease mechanism: loss of function.
Malignant tumor of breast. Also called: Malignant breast neoplasm; Cancer breast. Identifiers: MedGen C0006142, MONDO:0007254. Disease mechanism: loss of function.

Allele frequency attached by ClinVar (database versions not stated): ExAC 0.00003; gnomAD exomes 0.00003; TOPMed 0.00003; gnomAD 0.00004 and 0.00005; 1000 Genomes Project 30x 0.00016; 1000 Genomes Project 0.00020.
gnomAD v4.1: 90 of 1,613,394 alleles (0.0056%); highest among the groups gnomAD compares: East Asian, 0.0067%; no homozygotes.

Submissions (15):

Evidence-based Network for the Interpretation of Germline Mutant Alleles (ENIGMA)
Classification: Likely benign for Breast-ovarian cancer, familial, susceptibility to, 1. Last evaluated: 2017-06-29. Review status: reviewed by expert panel. Criteria: ENIGMA BRCA1/2 Classification Criteria (2017-06-29). Collection method: curation. Allele origin: germline.
Comment: Synonymous substitution variant, with low bioinformatic likelihood to result in a splicing aberration (Splicing prior probability 0.02).

CeGaT Center for Human Genetics Tuebingen
Classification: Likely benign. Last evaluated: 2026-08-01. Review status: criteria provided, single submitter. Criteria: CeGaT Center For Human Genetics Tuebingen Variant Classification Criteria Version 2. Collection method: clinical testing. Allele origin: germline. Affected: yes. Observed: 1 variant allele. Not counted in ClinVar's aggregate classification.
Comment: BRCA1: BP4, BP7

Labcorp Genetics (formerly Invitae), Labcorp
Classification: Likely benign for Hereditary breast ovarian cancer syndrome. Last evaluated: 2026-01-26. Review status: criteria provided, single submitter. Criteria: Invitae Variant Classification Sherloc (09022015). Collection method: clinical testing. Allele origin: germline. Not counted in ClinVar's aggregate classification.

Quest Diagnostics Nichols Institute San Juan Capistrano
Classification: Likely benign. Last evaluated: 2025-08-26. Review status: criteria provided, single submitter. Criteria: Quest Diagnostics criteria. Collection method: clinical testing. Allele origin: unknown. Not counted in ClinVar's aggregate classification.

KCCC/NGS Laboratory, Kuwait Cancer Control Center
Classification: Benign for Breast-ovarian cancer, familial, susceptibility to, 1. Last evaluated: 2025-02-01. Review status: criteria provided, single submitter. Criteria: ACMG Guidelines, 2015. Collection method: clinical testing. Allele origin: germline. Affected: no. Not counted in ClinVar's aggregate classification.

All of Us Research Program, National Institutes of Health
Classification: Likely benign for BRCA1-related cancer predisposition. Last evaluated: 2024-04-08. Review status: criteria provided, single submitter. Criteria: ACMG Guidelines, 2015. Collection method: clinical testing. Allele origin: germline. Inheritance: Autosomal dominant inheritance. Observed: 7 variant alleles, 7 heterozygotes. Not counted in ClinVar's aggregate classification.
Comment: This study involves interpretation of variants in research participants for the purpose of population health screening. Participant phenotype was not available at the time of variant classification. Additional details can be found in publication PMID: 35346344, PMCID: PMC8962531

Women's Health and Genetics/Laboratory Corporation of America, LabCorp
Classification: Likely benign. Last evaluated: 2024-04-08. Review status: criteria provided, single submitter. Criteria: LabCorp Variant Classification Summary - May 2015. Collection method: clinical testing. Allele origin: germline. Not counted in ClinVar's aggregate classification.

Blueprint Genetics
Classification: Likely benign. Last evaluated: 2023-07-06. Review status: criteria provided, single submitter. Criteria: ACMG Guidelines, 2015. Collection method: clinical testing. Allele origin: germline. Not counted in ClinVar's aggregate classification.

GeneDx
Classification: Likely benign. Last evaluated: 2017-04-10. Review status: criteria provided, single submitter. Criteria: GeneDx Variant Classification (06012015). Collection method: clinical testing. Allele origin: germline. Affected: yes. Not counted in ClinVar's aggregate classification.
Comment: This variant is considered likely benign or benign based on one or more of the following criteria: it is a conservative change, it occurs at a poorly conserved position in the protein, it is predicted to be benign by multiple in silico algorithms, and/or has population frequency not consistent with disease.

ARUP Laboratories, Molecular Genetics and Genomics, ARUP Laboratories
Classification: Likely benign. Last evaluated: 2016-11-07. Review status: criteria provided, single submitter. Criteria: ARUP Molecular Germline Variant Investigation Process. Collection method: clinical testing. Allele origin: germline. Not counted in ClinVar's aggregate classification.

CHEO Genetics Diagnostic Laboratory, Children's Hospital of Eastern Ontario
Classification: Likely benign for Breast and/or ovarian cancer. Last evaluated: 2015-12-09. Review status: criteria provided, single submitter. Criteria: ACMG Guidelines, 2015. Collection method: clinical testing. Allele origin: germline. Study: Canadian Open Genetics Repository. Not counted in ClinVar's aggregate classification.

Color Diagnostics, LLC DBA Color Health
Classification: Likely benign for Hereditary cancer-predisposing syndrome. Last evaluated: 2015-08-13. Review status: criteria provided, single submitter. Criteria: ACMG Guidelines, 2015. Collection method: clinical testing. Allele origin: germline. Not counted in ClinVar's aggregate classification.

Ambry Genetics
Classification: Likely benign for Hereditary cancer-predisposing syndrome. Last evaluated: 2015-06-30. Review status: criteria provided, single submitter. Criteria: Ambry Variant Classification Scheme 2023. Collection method: clinical testing. Allele origin: germline. Not counted in ClinVar's aggregate classification.

PreventionGenetics, part of Exact Sciences
Classification: Likely benign for BRCA1-related condition. Last evaluated: 2020-10-12. Review status: no assertion criteria provided. Collection method: clinical testing. Allele origin: germline. Not counted in ClinVar's aggregate classification.
Comment: This variant is classified as likely benign based on ACMG/AMP sequence variant interpretation guidelines (Richards et al. 2015 PMID: 25741868, with internal and published modifications).

Department of Pathology and Laboratory Medicine, Sinai Health System
Classification: Likely benign for Malignant tumor of breast. Review status: no assertion criteria provided. Collection method: clinical testing. Allele origin: unknown. Affected: yes. Observed: 7 variant alleles. Study: The Canadian Open Genetics Repository (COGR). Not counted in ClinVar's aggregate classification.
Comment: The BRCA1 p.Thr190Thr variant is not expected to have clinical significance because it does not result in a change of amino acid and is not located in a known consensus splice site. The variant was listed in dbSNP (ID: rs201536070) with a minor allele frequency of 0.001 in the 1000 Genomes Project, and was identified in UMD as an unclassified variant. In summary, based on the above information, the clinical significance of this variant cannot be determined with certainty at this time although we would lean towards a more benign role for this variant. This variant is classified as predicted benign.

Literature cited by the submitters: PubMed 28288110 (cited by Quest Diagnostics Nichols Institute San Juan Capistrano); PubMed 30287823 (cited by Quest Diagnostics Nichols Institute San Juan Capistrano); PubMed 32467295 (cited by Quest Diagnostics Nichols Institute San Juan Capistrano); PubMed 10196379 (cited by 3 submitters).